The following is an entry in ClinVar:

ClinVar aggregate classification (germline): Uncertain significance. Review status: criteria provided, multiple submitters, no conflicts (2 of 4 stars). 2 submissions from 2 submitters: Uncertain significance (2). Last evaluated 2026-08-10.

Allele frequency attached by ClinVar (database versions not stated): gnomAD exomes below 0.00001; ExAC 0.00001.
gnomAD v4.1: 4 of 1,210,017 alleles (0.00033%); highest among the groups gnomAD compares: South Asian, 0.0018%; no homozygotes.

Submissions (3):

GeneDx
Classification: Uncertain significance. Last evaluated: 2026-08-10. Review status: criteria provided, single submitter. Criteria: GeneDx Variant Classification Process June 2021. Collection method: clinical testing. Allele origin: germline.
Comment: In silico analysis supports a deleterious effect on splicing; Has not been previously published as pathogenic or benign to our knowledge

Labcorp Genetics (formerly Invitae), Labcorp
Classification: Uncertain significance. Last evaluated: 2025-01-08. Review status: criteria provided, single submitter. Criteria: Invitae Variant Classification Sherloc (09022015). Collection method: clinical testing. Allele origin: germline.
Comment: This sequence change affects codon 543 of the GRIA3 mRNA. It is a 'silent' change, meaning that it does not change the encoded amino acid sequence of the GRIA3 protein. This variant is present in population databases (rs780335659, gnomAD 0.005%). This variant has not been reported in the literature in individuals affected with GRIA3-related conditions. ClinVar contains an entry for this variant (Variation ID: 1704750). Algorithms developed to predict the effect of sequence changes on RNA splicing suggest that this variant may create or strengthen a splice site. In summary, the available evidence is currently insufficient to determine the role of this variant in disease. Therefore, it has been classified as a Variant of Uncertain Significance.

Dr. Peter K. Rogan Lab, Western University
No classification provided (evidence only). Condition: Nonpapillary renal cell carcinoma. Review status: no classification provided. Collection method: in vitro. Allele origin: not applicable. Functional consequence: retained intron. Not counted in ClinVar's aggregate classification.

NM_007325.5(GRIA3):c.1629C>T (p.Gly543=)

Gene: GRIA3 (glutamate ionotropic receptor AMPA type subunit 3; plus strand). Cytogenetic location: Xq25.
Variant type: single nucleotide variant.
Coding change: c.1629C>T on transcript NM_007325.5 (MANE Select); coding-DNA position 1629, C replaced by T.
Protein change: p.Gly543=; no amino-acid change (glycine 543 retained).
Molecular consequence: synonymous variant.
Genome position (GRCh38, 1-based): chrX:123,417,530, C>T. VCF-style: chrX-123417530-C-T. GRCh37 (hg19) VCF-style: chrX-122551381-C-T.
Other names: c.1629C>T, p.Gly543= (NM_000828.5).
Identifiers: ClinVar variation 1704750 (VCV001704750.6), dbSNP rs780335659, ClinGen allele CA10507084.